The following is an entry in ClinVar:

ClinVar aggregate classification (germline): Uncertain significance (1 of 4 stars; one submission).

Submission:

GeneDx
Classification: Uncertain significance. Last evaluated: 2024-02-09. Review status: criteria provided, single submitter. Criteria: GeneDx Variant Classification Process June 2021. Collection method: clinical testing. Allele origin: germline. Affected: yes.
Comment: Not observed at significant frequency in large population cohorts (gnomAD); In silico analysis supports that this missense variant has a deleterious effect on protein structure/function; Has not been previously published as pathogenic or benign to our knowledge

NM_001012614.2(CTBP1):c.47G>A (p.Arg16Gln)

Gene: CTBP1 (C-terminal binding protein 1; minus strand). Cytogenetic location: 4p16.3.
Variant type: single nucleotide variant.
Coding change: c.47G>A on transcript NM_001012614.2 (MANE Select); coding-DNA position 47, G replaced by A.
Protein change: p.Arg16Gln; replaces arginine 16 with glutamine.
Molecular consequence: missense variant.
Genome position (GRCh38, 1-based): chr4:1,238,298, C>T on the plus strand (G>A on the coding strand, the complement: CTBP1 is on the minus strand). VCF-style: chr4-1238298-C-T. GRCh37 (hg19) VCF-style: chr4-1232086-C-T.
Other names: c.80G>A, p.Arg27Gln (NM_001328.3, NM_001377186.1); c.47G>A, p.Arg16Gln (NM_001377187.1, NM_001377188.1, NM_001377189.1 and 4 more transcripts); short protein forms R16Q, R27Q.
Identifiers: ClinVar variation 3368544 (VCV003368544.1).